The following is an entry in ClinVar:

ClinVar aggregate classification (germline): Likely benign (1 of 4 stars; one submission).

Submission:

GeneDx
Classification: Likely benign. Last evaluated: 2015-12-11. Review status: criteria provided, single submitter. Criteria: GeneDx Variant Classification (06012015). Collection method: clinical testing. Allele origin: germline. Affected: yes.
Comment: This variant is considered likely benign or benign based on one or more of the following criteria: it is a conservative change, it occurs at a poorly conserved position in the protein, it is predicted to be benign by multiple in silico algorithms, and/or has population frequency not consistent with disease.

NM_002485.5(NBN):c.1397+12A>T

Gene: NBN (nibrin; minus strand). Cytogenetic location: 8q21.3.
Variant type: single nucleotide variant.
Coding change: c.1397+12A>T on transcript NM_002485.5 (MANE Select); 12 bases into the intron after coding-DNA position 1397, A replaced by T.
Molecular consequence: intron variant.
Genome position (GRCh38, 1-based): chr8:89,955,271, T>A on the plus strand (A>T on the coding strand, the complement: NBN is on the minus strand). VCF-style: chr8-89955271-T-A. GRCh37 (hg19) VCF-style: chr8-90967499-T-A.
Other names: c.1151+12A>T (NM_001024688.3).
Identifiers: ClinVar variation 382239 (VCV000382239.1), dbSNP rs1057521287, ClinGen allele CA16605270.